The following is an entry in ClinVar:

ClinVar aggregate classification (germline): Uncertain significance (1 of 4 stars; one submission).

Conditions:
Developmental and epileptic encephalopathy, 30 (DEE30). Also called: Epileptic encephalopathy, early infantile, 30. Identifiers: MedGen C4225360, MONDO:0014595, OMIM 616341.

Submission:

Labcorp Genetics (formerly Invitae), Labcorp
Classification: Uncertain significance for Developmental and epileptic encephalopathy, 30. Last evaluated: 2024-10-15. Review status: criteria provided, single submitter. Criteria: Invitae Variant Classification Sherloc (09022015). Collection method: clinical testing. Allele origin: germline.
Comment: This sequence change falls in intron 7 of the SIK1 gene. It does not directly change the encoded amino acid sequence of the SIK1 protein. This variant is not present in population databases (gnomAD no frequency). This variant has not been reported in the literature in individuals affected with SIK1-related conditions. Algorithms developed to predict the effect of sequence changes on RNA splicing suggest that this variant may disrupt the consensus splice site. In summary, the available evidence is currently insufficient to determine the role of this variant in disease. Therefore, it has been classified as a Variant of Uncertain Significance.

NM_173354.5(SIK1):c.749-22_749-14del

Gene: SIK1 (salt inducible kinase 1; minus strand). Cytogenetic location: 21q22.3.
Variant type: Deletion.
Coding change: c.749-22_749-14del on transcript NM_173354.5 (MANE Select); 22 bases into the intron before coding-DNA position 749 through 14 bases into the intron before coding-DNA position 749, 9 bases deleted (CAGCCTCCT; older notation c.749-22_749-14delCAGCCTCCT).
Molecular consequence: intron variant.
Genome position (GRCh38, 1-based): chr21:43,420,471-43,420,479, AGGAGGCTG deleted on the plus strand (CAGCCTCCT on the coding strand, the reverse complement: SIK1 is on the minus strand); deleting any 9 consecutive bases within chr21:43,420,471-43,420,481 gives the same sequence; the c. name uses the placement nearest the transcript's 3' end. VCF-style (leftmost placement, unchanged base first): chr21-43420470-CAGGAGGCTG-C. GRCh37 (hg19) VCF-style: chr21-44840350-CAGGAGGCTG-C.
Identifiers: ClinVar variation 2718014 (VCV002718014.3), dbSNP rs2516966939, ClinGen allele CA2697547555.
Genomic context (GRCh38, chr21:43,420,470, plus strand): 5'-GCCTGGCGGGGTCCACCACCAGCATGCGGCGGATCAGGCTCTCACAGTCTGTGGAGGGGC[CAGGAGGCTG>C]AGCCAGGGCGGCCGGGACCTCGGCTGCGCTCCCACCCACCGCCCCACGTGGTTTGACACG-3'